The following is an entry in ClinVar:

ClinVar aggregate classification (germline): Uncertain significance. Review status: criteria provided, multiple submitters, no conflicts (2 of 4 stars). 2 submissions from 2 submitters: Uncertain significance (2). Last evaluated 2025-06-27.

Conditions:
Bethlem myopathy 1A. Also called: MYOPATHY, BENIGN CONGENITAL, WITH CONTRACTURES; Bethlem Muscular Dystrophy; Bethlem myopathy 1. Identifiers: Orphanet 610, MedGen CN029274, MONDO:0024530, OMIM 158810.

Submissions (2):

Mayo Clinic Laboratories, Mayo Clinic
Classification: Uncertain significance. Last evaluated: 2025-06-27. Review status: criteria provided, single submitter. Criteria: ACMG Guidelines, 2015. Collection method: clinical testing. Allele origin: germline. Observed: 1 variant allele.
Comment: PM2_supporting

Labcorp Genetics (formerly Invitae), Labcorp
Classification: Uncertain significance for Bethlem myopathy 1A. Last evaluated: 2025-02-12. Review status: criteria provided, single submitter. Criteria: Invitae Variant Classification Sherloc (09022015). Collection method: clinical testing. Allele origin: germline.
Comment: This sequence change replaces arginine, which is basic and polar, with tryptophan, which is neutral and slightly polar, at codon 2713 of the COL6A3 protein (p.Arg2713Trp). This variant is not present in population databases (gnomAD no frequency). This variant has not been reported in the literature in individuals affected with COL6A3-related conditions. Invitae Evidence Modeling of protein sequence and biophysical properties (such as structural, functional, and spatial information, amino acid conservation, physicochemical variation, residue mobility, and thermodynamic stability) has been performed for this missense variant. However, the output from this modeling did not meet the statistical confidence thresholds required to predict the impact of this variant on COL6A3 protein function. In summary, the available evidence is currently insufficient to determine the role of this variant in disease. Therefore, it has been classified as a Variant of Uncertain Significance.

NM_004369.4(COL6A3):c.8137A>T (p.Arg2713Trp)

Gene: COL6A3 (collagen type VI alpha 3 chain; minus strand). Cytogenetic location: 2q37.3.
Variant type: single nucleotide variant.
Coding change: c.8137A>T on transcript NM_004369.4 (MANE Select); coding-DNA position 8137, A replaced by T.
Protein change: p.Arg2713Trp; replaces arginine 2713 with tryptophan.
Molecular consequence: missense variant.
Genome position (GRCh38, 1-based): chr2:237,340,779, T>A on the plus strand (A>T on the coding strand, the complement: COL6A3 is on the minus strand). VCF-style: chr2-237340779-T-A. GRCh37 (hg19) VCF-style: chr2-238249422-T-A.
Other names: p.Arg2713Trp; c.6316A>T, p.Arg2106Trp (NM_057166.5); c.7519A>T, p.Arg2507Trp (NM_057167.4); short protein forms R2106W, R2507W, R2713W.
Identifiers: ClinVar variation 4540828 (VCV004540828.2).